The following is an entry in ClinVar:

ClinVar aggregate classification (germline): Pathogenic (1 of 4 stars; one submission).

Conditions:
Hereditary cancer-predisposing syndrome. Also called: Neoplastic Syndromes, Hereditary; Tumor predisposition; Hereditary neoplastic syndrome; Hereditary Cancer Syndrome. Identifiers: Orphanet 140162, MedGen C0027672, MeSH D009386, MONDO:0015356.

Submission:

Ambry Genetics
Classification: Pathogenic for Hereditary cancer-predisposing syndrome. Last evaluated: 2024-01-25. Review status: criteria provided, single submitter. Criteria: Ambry Variant Classification Scheme 2023. Collection method: clinical testing. Allele origin: germline.
Comment: The c.1524delT pathogenic mutation, located in coding exon 10 of the BRIP1 gene, results from a deletion of one nucleotide at nucleotide position 1524, causing a translational frameshift with a predicted alternate stop codon (p.Y508*). This variant is considered to be rare based on population cohorts in the Genome Aggregation Database (gnomAD). This alteration is expected to result in loss of function by premature protein truncation or nonsense-mediated mRNA decay. As such, this alteration is interpreted as a disease-causing mutation.

NM_032043.3(BRIP1):c.1524del (p.Ile507_Tyr508insTer)

Gene: BRIP1 (BRCA1 interacting DNA helicase 1; minus strand). Cytogenetic location: 17q23.2.
Variant type: Deletion.
Coding change: c.1524del on transcript NM_032043.3 (MANE Select); coding-DNA position 1524, one base deleted (T; older notation c.1524delT).
Protein change: p.Ile507_Tyr508insTer.
Molecular consequence: nonsense.
Genome position (GRCh38, 1-based): chr17:61,784,374, A deleted on the plus strand (T on the coding strand, the reverse complement: BRIP1 is on the minus strand). VCF-style (leftmost placement, unchanged base first): chr17-61784373-CA-C. GRCh37 (hg19) VCF-style: chr17-59861734-CA-C.
Identifiers: ClinVar variation 3228091 (VCV003228091.1), dbSNP rs2545054776, ClinGen allele CA2825002578.